The following is an entry in ClinVar:

NM_024757.5(EHMT1):c.610C>G (p.Arg204Gly)

Gene: EHMT1 (euchromatic histone lysine methyltransferase 1; plus strand). Cytogenetic location: 9q34.3.
Variant type: single nucleotide variant.
Coding change: c.610C>G on transcript NM_024757.5 (MANE Select); coding-DNA position 610, C replaced by G.
Protein change: p.Arg204Gly; replaces arginine 204 with glycine.
Molecular consequence: missense variant.
Genome position (GRCh38, 1-based): chr9:137,717,150, C>G. VCF-style: chr9-137717150-C-G. GRCh37 (hg19) VCF-style: chr9-140611602-C-G.
Other names: c.610C>G, p.Arg204Gly (NM_001145527.2, NM_001354263.2, NM_001354611.2); c.517C>G, p.Arg173Gly (NM_001354259.2, NM_001354612.2); short protein forms R173G, R204G.
Identifiers: ClinVar variation 3731047 (VCV003731047.1).

ClinVar aggregate classification (germline): Uncertain significance (1 of 4 stars; one submission).

gnomAD v4.1: 1 of 1,612,496 alleles (0.000062%); highest among the groups gnomAD compares: Non-Finnish European, 0.000085%; no homozygotes.

Submission:

GeneDx
Classification: Uncertain significance. Last evaluated: 2024-08-13. Review status: criteria provided, single submitter. Criteria: GeneDx Variant Classification Process June 2021. Collection method: clinical testing. Allele origin: germline. Affected: yes.
Comment: Not observed at significant frequency in large population cohorts (gnomAD); In silico analysis supports that this missense variant has a deleterious effect on protein structure/function; Has not been previously published as pathogenic or benign to our knowledge